The following is an entry in ClinVar:

NM_001006658.3(CR2):c.169C>T (p.Leu57Phe)

Gene: CR2 (complement C3d receptor 2; plus strand). Cytogenetic location: 1q32.2.
Variant type: single nucleotide variant.
Coding change: c.169C>T on transcript NM_001006658.3 (MANE Select); coding-DNA position 169, C replaced by T.
Protein change: p.Leu57Phe; replaces leucine 57 with phenylalanine.
Molecular consequence: missense variant.
Genome position (GRCh38, 1-based): chr1:207,466,636, C>T. VCF-style: chr1-207466636-C-T. GRCh37 (hg19) VCF-style: chr1-207639981-C-T.
Other names: c.169C>T, p.Leu57Phe (NM_001877.5); short protein forms L57F.
Identifiers: ClinVar variation 841700 (VCV000841700.9), dbSNP rs1039507759, ClinGen allele CA36645562.
Genomic context (GRCh38, chr1:207,466,636, plus strand): 5'-TATTCTACCCCCATTGCTGTTGGTACCGTGATAAGGTACAGTTGTTCAGGTACCTTCCGC[C>T]TCATTGGAGAAAAAAGTCTATTATGCATAACTAAAGACAAAGTGGATGGAACCTGGGATA-3'
Protein context (NP_001006659.1, residues 47-67): IRYSCSGTFR[Leu57Phe]IGEKSLLCIT

ClinVar aggregate classification (germline): Uncertain significance. Review status: criteria provided, multiple submitters, no conflicts (2 of 4 stars). 3 submissions from 3 submitters: Uncertain significance (3). Last evaluated 2025-08-04.

Conditions:
Immunodeficiency, common variable, 7. Identifiers: Orphanet 1572, Orphanet 696894, MedGen C3542922, MONDO:0013862, OMIM 614699.
Inborn genetic diseases. Identifiers: MedGen C0950123, MeSH D030342.

Allele frequency attached by ClinVar (database versions not stated): gnomAD 0.00001; gnomAD exomes 0.00001 and 0.00002; TOPMed 0.00001.
gnomAD v4.1: 12 of 1,613,912 alleles (0.00074%); highest among the groups gnomAD compares: Admixed American, 0.012%; no homozygotes.

Submissions (3):

Ambry Genetics
Classification: Uncertain significance for Inborn genetic diseases. Last evaluated: 2025-08-04. Review status: criteria provided, single submitter. Criteria: Ambry Variant Classification Scheme 2023. Collection method: clinical testing. Allele origin: germline.

ARUP Laboratories, Molecular Genetics and Genomics, ARUP Laboratories
Classification: Uncertain significance. Last evaluated: 2024-10-08. Review status: criteria provided, single submitter. Criteria: ARUP Molecular Germline Variant Investigation Process 2024. Collection method: clinical testing. Allele origin: germline.
Comment: The CR2 c.169C>T; p.Leu57Phe variant (rs1039507759), to our knowledge, is not reported in the medical literature but is reported in ClinVar (Variation ID: 841700). This variant is found in the general population with an overall allele frequency of 0.0016% (4/251322 alleles) in the Genome Aggregation Database (v2.1.1). Computational analyses are uncertain whether this variant is neutral or deleterious (REVEL: 0.387). Due to limited information, the clinical significance of this variant is uncertain at this time.

Labcorp Genetics (formerly Invitae), Labcorp
Classification: Uncertain significance for Immunodeficiency, common variable, 7. Last evaluated: 2021-03-27. Review status: criteria provided, single submitter. Criteria: Invitae Variant Classification Sherloc (09022015). Collection method: clinical testing. Allele origin: germline.
Comment: In summary, the available evidence is currently insufficient to determine the role of this variant in disease. Therefore, it has been classified as a Variant of Uncertain Significance. Algorithms developed to predict the effect of missense changes on protein structure and function are either unavailable or do not agree on the potential impact of this missense change (SIFT: "Tolerated"; PolyPhen-2: "Probably Damaging"; Align-GVGD: "Class C0"). This variant has not been reported in the literature in individuals with CR2-related conditions. This variant is not present in population databases (ExAC no frequency). This sequence change replaces leucine with phenylalanine at codon 57 of the CR2 protein (p.Leu57Phe). The leucine residue is highly conserved and there is a small physicochemical difference between leucine and phenylalanine.